The following is an entry in ClinVar:

NM_004370.6(COL12A1):c.3242G>A (p.Gly1081Glu)

Gene: COL12A1 (collagen type XII alpha 1 chain; minus strand). Cytogenetic location: 6q13.
Variant type: single nucleotide variant.
Coding change: c.3242G>A on transcript NM_004370.6 (MANE Select); coding-DNA position 3242, G replaced by A.
Protein change: p.Gly1081Glu; replaces glycine 1081 with glutamic acid.
Molecular consequence: missense variant. On other transcripts: intron variant (2).
Genome position (GRCh38, 1-based): chr6:75,156,265, C>T on the plus strand (G>A on the coding strand, the complement: COL12A1 is on the minus strand). VCF-style: chr6-75156265-C-T. GRCh37 (hg19) VCF-style: chr6-75865981-C-T.
Other names: c.3242G>A, p.Gly1081Glu (NM_001424113.1, NM_001424114.1); c.2969G>A, p.Gly990Glu (NM_001424115.1); c.74-3783G>A (NM_001424116.1, NM_080645.3); short protein forms G1081E, G990E.
Identifiers: ClinVar variation 3376016 (VCV003376016.1).

ClinVar aggregate classification (germline): Uncertain significance (1 of 4 stars; one submission).

Submission:

GeneDx
Classification: Uncertain significance. Last evaluated: 2024-05-06. Review status: criteria provided, single submitter. Criteria: GeneDx Variant Classification Process June 2021. Collection method: clinical testing. Allele origin: germline. Affected: yes.
Comment: Not observed at significant frequency in large population cohorts (gnomAD); In silico analysis supports that this missense variant has a deleterious effect on protein structure/function; Has not been previously published as pathogenic or benign to our knowledge